The following is an entry in ClinVar:

NC_012920.1(MT-CO3):m.9652A>G

Gene: MT-CO3 (mitochondrially encoded cytochrome c oxidase III; plus strand).
Variant type: single nucleotide variant.
Genome position: chrM-9652-A-G.
Identifiers: ClinVar variation 693198 (VCV000693198.1), dbSNP rs1603222415, ClinGen allele CA414803408.

ClinVar aggregate classification (germline): Uncertain significance (1 of 4 stars; one submission).

Conditions:
Leigh syndrome (NULS). Also called: Leigh's necrotizing encephalopathy; Leigh's disease; Leigh Syndrome (mtDNA deletion); Leigh Disease; Subacute necrotizing encephalopathy; Necrotizing encephalopathy infantile subacute of Leigh. Identifiers: Orphanet 506, MedGen C2931891, MONDO:0009723, OMIM 256000.

Submission:

Wong Mito Lab, Molecular and Human Genetics, Baylor College of Medicine
Classification: Uncertain significance for Leigh syndrome. Last evaluated: 2019-10-17. Review status: criteria provided, single submitter. Criteria: Modified ACMG Guidelines (Unpublished). Collection method: clinical testing. Allele origin: germline.
Comment: The NC_012920.1:m.9652A>G (YP_003024032.1:p.His149Arg) variant in MTCO3 gene is interpretated to be a Uncertain Significance variant based on the modified ACMG guidelines (unpublished). This variant meets the following evidence codes: PP4, BP4